The following is an entry in ClinVar:

NM_017636.4(TRPM4):c.1438G>T (p.Ala480Ser)

Gene: TRPM4 (transient receptor potential cation channel subfamily M member 4; plus strand). Cytogenetic location: 19q13.33.
Variant type: single nucleotide variant.
Coding change: c.1438G>T on transcript NM_017636.4 (MANE Select); coding-DNA position 1438, G replaced by T.
Protein change: p.Ala480Ser; replaces alanine 480 with serine.
Molecular consequence: missense variant. On other transcripts: 5 prime UTR variant (1).
Genome position (GRCh38, 1-based): chr19:49,182,752, G>T. VCF-style: chr19-49182752-G-T. GRCh37 (hg19) VCF-style: chr19-49686009-G-T.
Other names: c.1438G>T, p.Ala480Ser (NM_001195227.2); c.1093G>T, p.Ala365Ser (NM_001321281.2); c.-116G>T (NM_001321282.2); c.916G>T, p.Ala306Ser (NM_001321283.2); c.376G>T, p.Ala126Ser (NM_001321285.2); short protein forms A480S, A126S, A306S, A365S.
Identifiers: ClinVar variation 4721304 (VCV004721304.1).

ClinVar aggregate classification (germline): Uncertain significance (1 of 4 stars; one submission).

Conditions:
Progressive familial heart block type IB (PFHB1B). Identifiers: Orphanet 871, MedGen C1970298, MONDO:0011474, OMIM 604559.

Submission:

Labcorp Genetics (formerly Invitae), Labcorp
Classification: Uncertain significance for Progressive familial heart block type IB. Last evaluated: 2025-06-11. Review status: criteria provided, single submitter. Criteria: Invitae Variant Classification Sherloc (09022015). Collection method: clinical testing. Allele origin: germline.
Comment: This sequence change replaces alanine, which is neutral and non-polar, with serine, which is neutral and polar, at codon 480 of the TRPM4 protein (p.Ala480Ser). This variant is not present in population databases (gnomAD no frequency). This variant has not been reported in the literature in individuals affected with TRPM4-related conditions. An algorithm developed to predict the effect of missense changes on protein structure and function (PolyPhen-2) suggests that this variant is likely to be tolerated. In summary, the available evidence is currently insufficient to determine the role of this variant in disease. Therefore, it has been classified as a Variant of Uncertain Significance.